The following is an entry in ClinVar:

NM_000426.4(LAMA2):c.358G>A (p.Glu120Lys)

Gene: LAMA2 (laminin subunit alpha 2; plus strand). Cytogenetic location: 6q22.33.
Variant type: single nucleotide variant.
Coding change: c.358G>A on transcript NM_000426.4 (MANE Select); coding-DNA position 358, G replaced by A.
Protein change: p.Glu120Lys; replaces glutamic acid 120 with lysine.
Molecular consequence: missense variant.
Genome position (GRCh38, 1-based): chr6:129,059,858, G>A. VCF-style: chr6-129059858-G-A. GRCh37 (hg19) VCF-style: chr6-129381003-G-A.
Other names: c.358G>A, p.Glu120Lys (NM_001079823.2); short protein forms E120K.
Identifiers: ClinVar variation 970204 (VCV000970204.14), dbSNP rs778869610, ClinGen allele CA3992298.

ClinVar aggregate classification (germline): Uncertain significance. Review status: criteria provided, multiple submitters, no conflicts (2 of 4 stars). 5 submissions from 5 submitters: Uncertain significance (5). Last evaluated 2026-08-13.

Conditions:
Inborn genetic diseases. Identifiers: MedGen C0950123, MeSH D030342.
LAMA2-related muscular dystrophy (LAMA2-RD). Also called: Laminin alpha 2-related dystrophy. Identifiers: MedGen C5679788, MONDO:0100228.

Allele frequency attached by ClinVar (database versions not stated): gnomAD exomes 0.00002; TOPMed 0.00001; ExAC 0.00003.
gnomAD v4.1: 63 of 1,601,674 alleles (0.0039%); highest among the groups gnomAD compares: African/African-American, 0.0067%; no homozygotes.

Submissions (5):

Ambry Genetics
Classification: Uncertain significance for Inborn genetic diseases. Last evaluated: 2026-08-13. Review status: criteria provided, single submitter. Criteria: Ambry Variant Classification Scheme 2023. Collection method: clinical testing. Allele origin: germline.

Labcorp Genetics (formerly Invitae), Labcorp
Classification: Uncertain significance for LAMA2-related muscular dystrophy. Last evaluated: 2024-12-09. Review status: criteria provided, single submitter. Criteria: Invitae Variant Classification Sherloc (09022015). Collection method: clinical testing. Allele origin: germline.
Comment: This sequence change replaces glutamic acid, which is acidic and polar, with lysine, which is basic and polar, at codon 120 of the LAMA2 protein (p.Glu120Lys). This variant is present in population databases (rs778869610, gnomAD 0.005%). This variant has not been reported in the literature in individuals affected with LAMA2-related conditions. ClinVar contains an entry for this variant (Variation ID: 970204). Invitae Evidence Modeling of protein sequence and biophysical properties (such as structural, functional, and spatial information, amino acid conservation, physicochemical variation, residue mobility, and thermodynamic stability) indicates that this missense variant is not expected to disrupt LAMA2 protein function with a negative predictive value of 95%. In summary, the available evidence is currently insufficient to determine the role of this variant in disease. Therefore, it has been classified as a Variant of Uncertain Significance.

GeneDx
Classification: Uncertain significance. Last evaluated: 2024-05-20. Review status: criteria provided, single submitter. Criteria: GeneDx Variant Classification Process June 2021. Collection method: clinical testing. Allele origin: germline. Affected: yes.
Comment: Not observed at significant frequency in large population cohorts (gnomAD); In silico analysis indicates that this missense variant does not alter protein structure/function; Has not been previously published as pathogenic or benign to our knowledge

Women's Health and Genetics/Laboratory Corporation of America, LabCorp
Classification: Uncertain significance. Last evaluated: 2023-11-01. Review status: criteria provided, single submitter. Criteria: LabCorp Variant Classification Summary - May 2015. Collection method: clinical testing. Allele origin: germline.
Comment: Variant summary: LAMA2 c.358G>A (p.Glu120Lys) results in a conservative amino acid change located in the Lamnin, N terminal domain (IPR008211) of the encoded protein sequence. Three of five in-silico tools predict a damaging effect of the variant on protein function. The variant allele was found at a frequency of 2.4e-05 in 251384 control chromosomes (gnomAD). The available data on variant occurrences in the general population are insufficient to allow any conclusion about variant significance. To our knowledge, no occurrence of c.358G>A in individuals affected with Laminin Alpha 2-Related Dystrophy and no experimental evidence demonstrating its impact on protein function have been reported. Three submitters have cited clinical-significance assessments for this variant to ClinVar after 2014. All submitters classified the variant as uncertain significance. Based on the evidence outlined above, the variant was classified as uncertain significance.

Mayo Clinic Laboratories, Mayo Clinic
Classification: Uncertain significance. Last evaluated: 2019-08-11. Review status: criteria provided, single submitter. Criteria: ACMG Guidelines, 2015. Collection method: clinical testing. Allele origin: germline. Observed: 1 variant allele.